The following is an entry in ClinVar:

NM_005592.4(MUSK):c.1384+250T>A

Gene: MUSK (muscle associated receptor tyrosine kinase; plus strand). Cytogenetic location: 9q31.3.
Variant type: single nucleotide variant.
Coding change: c.1384+250T>A on transcript NM_005592.4 (MANE Select); 250 bases into the intron after coding-DNA position 1384, T replaced by A.
Molecular consequence: intron variant.
Genome position (GRCh38, 1-based): chr9:110,776,905, T>A. VCF-style: chr9-110776905-T-A. GRCh37 (hg19) VCF-style: chr9-113539185-T-A.
Other names: NC_000009.11:g.113539185T>A; c.1126+942T>A (NM_001166280.2); c.1096+942T>A (NM_001166281.2); c.124+942T>A (NM_001369398.1).
Identifiers: ClinVar variation 667462 (VCV000667462.2), dbSNP rs2767011, ClinGen allele CA13126254.

ClinVar aggregate classification (germline): Benign (1 of 4 stars; one submission).

Allele frequency attached by ClinVar (database versions not stated): TOPMed 0.85126; 1000 Genomes Project 0.82348; 1000 Genomes Project 30x 0.82698; gnomAD 0.85433.
gnomAD v4.1: 129,304 of 151,828 alleles (85%); highest among the groups gnomAD compares: African/African-American, 95%; 55,437 homozygotes.

Submissions (2):

GeneDx
Classification: Benign. Last evaluated: 2018-06-16. Review status: criteria provided, single submitter. Criteria: GeneDx Variant Classification (06012015). Collection method: clinical testing. Allele origin: germline. Affected: yes.
Comment: This variant is considered likely benign or benign based on one or more of the following criteria: it is a conservative change, it occurs at a poorly conserved position in the protein, it is predicted to be benign by multiple in silico algorithms, and/or has population frequency not consistent with disease.

Dr. Peter K. Rogan Lab, Western University
No classification provided (evidence only). Condition: Malignant lymphoma, large B-cell, diffuse. Review status: no classification provided. Collection method: in vitro. Allele origin: not applicable. Functional consequence: retained intron. Not counted in ClinVar's aggregate classification.